The following is an entry in ClinVar:

NM_000064.4(C3):c.677A>T (p.Glu226Val)

Gene: C3 (complement C3; minus strand). Cytogenetic location: 19p13.3.
Variant type: single nucleotide variant.
Coding change: c.677A>T on transcript NM_000064.4 (MANE Select); coding-DNA position 677, A replaced by T.
Protein change: p.Glu226Val; replaces glutamic acid 226 with valine.
Molecular consequence: missense variant.
Genome position (GRCh38, 1-based): chr19:6,714,171, T>A on the plus strand (A>T on the coding strand, the complement: C3 is on the minus strand). VCF-style: chr19-6714171-T-A. GRCh37 (hg19) VCF-style: chr19-6714182-T-A.
Other names: short protein forms E226V.
Identifiers: ClinVar variation 1314401 (VCV001314401.2), dbSNP rs2145432274, ClinGen allele CA403643104.
Genomic context (GRCh38, chr19:6,714,171, plus strand): 5'-GGCGCTGGGCCAGGCGTTCTGGGCACTGACTCCCCCCAGCCCCTCCTCCTCTTACCGTAC[T>A]CCTTCACCTCAAACTCAGTGGAGAAGACCTGCTGTGGTGAGTTTTCATAGTAGGCTCGGA-3'
Protein context (NP_000055.2, residues 216-236): QVFSTEFEVK[Glu226Val]YVLPSFEVIV

ClinVar aggregate classification (germline): Uncertain significance (1 of 4 stars; one submission).

Submission:

GeneDx
Classification: Uncertain significance. Last evaluated: 2021-04-14. Review status: criteria provided, single submitter. Criteria: GeneDx Variant Classification Process June 2021. Collection method: clinical testing. Allele origin: germline. Affected: yes.
Comment: Not observed in large population cohorts (Lek et al., 2016); In silico analysis supports that this missense variant has a deleterious effect on protein structure/function; Has not been previously published as pathogenic or benign to our knowledge